The following is an entry in ClinVar:

NM_000169.3(GLA):c.305C>T (p.Ser102Leu)

Genes: GLA (galactosidase alpha; minus strand), RPL36A-HNRNPH2 (RPL36A-HNRNPH2 readthrough; plus strand). Cytogenetic location: Xq22.1.
Variant type: single nucleotide variant.
Coding change: c.305C>T on transcript NM_000169.3 (MANE Select); coding-DNA position 305, C replaced by T.
Protein change: p.Ser102Leu; replaces serine 102 with leucine.
Molecular consequence: missense variant. On other transcripts: non-coding transcript variant (3), intron variant (2).
Genome position (GRCh38, 1-based): chrX:101,403,875, G>A on the plus strand (C>T on the coding strand, the complement: GLA is on the minus strand). VCF-style: chrX-101403875-G-A. GRCh37 (hg19) VCF-style: chrX-100658863-G-A.
Other names: c.428C>T, p.Ser143Leu (NM_001406747.1, NM_001406749.1); c.305C>T, p.Ser102Leu (NM_001406748.1); c.301-8061G>A (NM_001199973.2); c.178-8061G>A (NM_001199974.2); short protein forms S102L, S143L.
Identifiers: ClinVar variation 3072553 (VCV003072553.4), dbSNP rs2520913224, ClinGen allele CA413933428.

ClinVar aggregate classification (germline): Uncertain significance. Review status: criteria provided, multiple submitters, no conflicts (2 of 4 stars). 3 submissions from 3 submitters: Uncertain significance (3). Last evaluated 2026-09-08.

Conditions:
Fabry disease. Also called: Fabry's disease; ALPHA-GALACTOSIDASE A DEFICIENCY; ANDERSON-FABRY DISEASE; CERAMIDE TRIHEXOSIDASE DEFICIENCY; GLA DEFICIENCY; HEREDITARY DYSTOPIC LIPIDOSIS. Identifiers: Orphanet 324, MedGen C0002986, MONDO:0010526, OMIM 301500, HP:0001071. Disease mechanism: Fabry disease is due to inactivating mutations in the X-linked GLA gene resulting in deficiency of the enzyme Alpha Galactosidase-A., loss of function.

Submissions (3):

Genomenon, Inc
Classification: Uncertain significance for Fabry disease. Last evaluated: 2026-09-08. Review status: criteria provided, single submitter. Criteria: Genomenon Sequence Variant Interpretation Standards - Updated. Collection method: curation. Allele origin: germline. Affected: no.
Comment: GLA p.Ser102Leu (c.305C>T) is a missense variant that changes the amino acid at codon 102 from Serine to Leucine. This variant has been reported in the published literature (PMID:23935525;32023956;23306324;27657681). It is absent or not present at a significant frequency in gnomAD. In silico models predict that this variant is not damaging. In conclusion, we classify GLA p.Ser102Leu (c.305C>T) as a variant of uncertain significance.

Labcorp Genetics (formerly Invitae), Labcorp
Classification: Uncertain significance for Fabry disease. Last evaluated: 2025-12-08. Review status: criteria provided, single submitter. Criteria: Invitae Variant Classification Sherloc (09022015). Collection method: clinical testing. Allele origin: germline.
Comment: This sequence change replaces serine, which is neutral and polar, with leucine, which is neutral and non-polar, at codon 102 of the GLA protein (p.Ser102Leu). This variant is not present in population databases (gnomAD no frequency). This variant has not been reported in the literature in individuals affected with GLA-related conditions. ClinVar contains an entry for this variant (Variation ID: 3072553). Invitae Evidence Modeling of protein sequence and biophysical properties (such as structural, functional, and spatial information, amino acid conservation, physicochemical variation, residue mobility, and thermodynamic stability) indicates that this missense variant is not expected to disrupt GLA protein function with a negative predictive value of 80%. Experimental studies are conflicting or provide insufficient evidence to determine the effect of this variant on GLA function (PMID: 23935525, 27657681). In summary, the available evidence is currently insufficient to determine the role of this variant in disease. Therefore, it has been classified as a Variant of Uncertain Significance.

All of Us Research Program, National Institutes of Health
Classification: Uncertain significance for Fabry disease. Last evaluated: 2023-08-08. Review status: criteria provided, single submitter. Criteria: ACMG Guidelines, 2015. Collection method: clinical testing. Allele origin: germline. Inheritance: X-linked inheritance. Observed: 1 variant allele, 1 homozygote.
Comment: This missense variant replaces serine with leucine at codon 102 of the GLA protein. Computational prediction suggests that this variant may not impact protein structure and function (internally defined REVEL score threshold <= 0.5, PMID: 27666373). In vitro functional assays have provided conflicting results with respect to the amount of residual GLA enzyme activity associated with this variant (PMID: 23935525, 27657681, 32023956). This variant has not been identified in the general population by the Genome Aggregation Database (gnomAD). The available evidence is insufficient to determine the role of this variant in disease conclusively. Therefore, this variant is classified as a Variant of Uncertain Significance.

This study involves interpretation of variants in research participants for the purpose of population health screening. Participant phenotype was not available at the time of variant classification. Additional details can be found in publication PMID: 35346344, PMCID: PMC8962531

Literature cited by the submitters: PubMed 23935525 (cited by 3 submitters); PubMed 32023956 (cited by Genomenon, Inc and All of Us Research Program, National Institutes of Health); PubMed 23306324 (cited by Genomenon, Inc); PubMed 27657681 (cited by 3 submitters).